The following is an entry in ClinVar:

ClinVar aggregate classification (germline): Likely benign. Review status: criteria provided, multiple submitters, no conflicts (2 of 4 stars). 2 submissions from 2 submitters: Likely benign (2). Last evaluated 2024-05-15.

Conditions:
Early-infantile DEE. Also called: Early infantile epileptic encephalopathy; Ohtahara syndrome; Early infantile epileptic encephalopathy with suppression bursts. Identifiers: Orphanet 1934, MedGen C0393706, MONDO:0800491.

Allele frequency attached by ClinVar (database versions not stated): gnomAD exomes 0.00001 and 0.00003; TOPMed 0.00001; ExAC 0.00003.
gnomAD v4.1: 9 of 1,598,706 alleles (0.00056%); highest among the groups gnomAD compares: East Asian, 0.018%; no homozygotes.

Submissions (2):

Labcorp Genetics (formerly Invitae), Labcorp
Classification: Likely benign for Early-infantile DEE. Last evaluated: 2024-05-15. Review status: criteria provided, single submitter. Criteria: Invitae Variant Classification Sherloc (09022015). Collection method: clinical testing. Allele origin: germline.

GeneDx
Classification: Likely benign. Last evaluated: 2016-03-29. Review status: criteria provided, single submitter. Criteria: GeneDx Variant Classification (06012015). Collection method: clinical testing. Allele origin: germline. Affected: yes.
Comment: This variant is considered likely benign or benign based on one or more of the following criteria: it is a conservative change, it occurs at a poorly conserved position in the protein, it is predicted to be benign by multiple in silico algorithms, and/or has population frequency not consistent with disease.

NM_001330260.2(SCN8A):c.1770G>A (p.Thr590=)

Gene: SCN8A (sodium voltage-gated channel alpha subunit 8; plus strand). Cytogenetic location: 12q13.13.
Variant type: single nucleotide variant.
Coding change: c.1770G>A on transcript NM_001330260.2 (MANE Select); coding-DNA position 1770, G replaced by A.
Protein change: p.Thr590=; no amino-acid change (threonine 590 retained).
Molecular consequence: synonymous variant.
Genome position (GRCh38, 1-based): chr12:51,721,680, G>A. VCF-style: chr12-51721680-G-A. GRCh37 (hg19) VCF-style: chr12-52115464-G-A.
Other names: c.1770G>A, p.Thr590= (NM_001177984.3, NM_001369788.1, NM_014191.4).
Identifiers: ClinVar variation 378559 (VCV000378559.9), dbSNP rs773379793, ClinGen allele CA6571328.